The following is an entry in ClinVar:

NM_133171.5(ELMO2):c.256C>T (p.Arg86Cys)

Gene: ELMO2 (engulfment and cell motility 2; minus strand). Cytogenetic location: 20q13.12.
Variant type: single nucleotide variant.
Coding change: c.256C>T on transcript NM_133171.5 (MANE Select); coding-DNA position 256, C replaced by T.
Protein change: p.Arg86Cys; replaces arginine 86 with cysteine.
Molecular consequence: missense variant. On other transcripts: 5 prime UTR variant (1).
Genome position (GRCh38, 1-based): chr20:46,389,208, G>A on the plus strand (C>T on the coding strand, the complement: ELMO2 is on the minus strand). VCF-style: chr20-46389208-G-A. GRCh37 (hg19) VCF-style: chr20-45017847-G-A.
Other names: c.-9C>T (NM_001318253.2); c.256C>T, p.Arg86Cys (NM_182764.3); short protein forms R86C.
Identifiers: ClinVar variation 4989573 (VCV004989573.1).

ClinVar aggregate classification (germline): Likely benign (1 of 4 stars; one submission).

Conditions:
ELMO2-related disorder. Also called: ELMO2-related condition.

Submission:

PreventionGenetics, part of Exact Sciences
Classification: Likely benign for ELMO2-related condition. Last evaluated: 2025-11-16. Review status: criteria provided, single submitter. Criteria: ACMG Guidelines, 2015. Collection method: clinical testing. Allele origin: germline.
Comment: This variant is classified as likely benign based on ACMG/AMP sequence variant interpretation guidelines (Richards et al. 2015 PMID: 25741868, with internal and published modifications).